The following is an entry in ClinVar:

NM_001374736.1(DST):c.12701A>G (p.Asp4234Gly)

Gene: DST (dystonin; minus strand). Cytogenetic location: 6p12.1.
Variant type: single nucleotide variant.
Coding change: c.12701A>G on transcript NM_001374736.1 (MANE Select); coding-DNA position 12701, A replaced by G.
Protein change: p.Asp4234Gly; replaces aspartic acid 4234 with glycine.
Molecular consequence: missense variant.
Genome position (GRCh38, 1-based): chr6:56,593,688, T>C on the plus strand (A>G on the coding strand, the complement: DST is on the minus strand). VCF-style: chr6-56593688-T-C. GRCh37 (hg19) VCF-style: chr6-56458486-T-C.
Other names: c.6344A>G, p.Asp2115Gly (NM_001144769.5); c.5930A>G, p.Asp1977Gly (NM_001144770.2); c.12701A>G, p.Asp4234Gly (NM_001374722.1); c.12068A>G, p.Asp4023Gly (NM_001374729.1); c.5810A>G, p.Asp1937Gly (NM_001374730.1, NM_001386100.1, NM_183380.4); c.12728A>G, p.Asp4243Gly (NM_001374734.1); c.4832A>G, p.Asp1611Gly (NM_015548.5); short protein forms D1937G, D4023G, D4243G, D1977G, D4234G, D1611G, D2115G.
Identifiers: ClinVar variation 1382929 (VCV001382929.6), dbSNP rs2152688500, ClinGen allele CA364525125.

ClinVar aggregate classification (germline): Uncertain significance (1 of 4 stars; one submission).

Conditions:
Hereditary sensory and autonomic neuropathy type 6. Also called: HSAN VI; Neuropathy, hereditary sensory and autonomic, type VI. Identifiers: Orphanet 314381, MedGen C3539003, MONDO:0013839, OMIM 614653.
Epidermolysis bullosa simplex 3, localized or generalized intermediate, with BP230 deficiency (EBS3). Also called: Epidermolysis bullosa simplex, autosomal recessive 2; Epidermolysis bullosa simplex due to BP230 deficiency. Identifiers: Orphanet 412181, MedGen C3809470, MONDO:0014180, OMIM 615425.

Submission:

Labcorp Genetics (formerly Invitae), Labcorp
Classification: Uncertain significance for Epidermolysis bullosa simplex 3, localized or generalized intermediate, with BP230 deficiency; Hereditary sensory and autonomic neuropathy type 6. Last evaluated: 2021-09-24. Review status: criteria provided, single submitter. Criteria: Invitae Variant Classification Sherloc (09022015). Collection method: clinical testing. Allele origin: germline.
Comment: Algorithms developed to predict the effect of sequence changes on RNA splicing suggest that this variant may create or strengthen a splice site. In summary, the available evidence is currently insufficient to determine the role of this variant in disease. Therefore, it has been classified as a Variant of Uncertain Significance. Experimental studies and prediction algorithms are not available or were not evaluated, and the functional significance of this variant is currently unknown. This sequence change replaces aspartic acid with glycine at codon 1611 of the DST protein (p.Asp1611Gly). The DST gene has multiple clinically relevant transcripts. This variant occurs in alternate transcript NM_015548.4, and corresponds to NM_001723.5:c.*21829A>G in the primary transcript. This variant is not present in population databases (ExAC no frequency). This variant has not been reported in the literature in individuals affected with DST-related conditions.